The following is an entry in ClinVar:

ClinVar aggregate classification (germline): Uncertain significance (1 of 4 stars; one submission).

Allele frequency attached by ClinVar (database versions not stated): gnomAD exomes below 0.00001.
gnomAD v4.1: 1 of 1,614,174 alleles (0.000062%); highest among the groups gnomAD compares: Non-Finnish European, 0.000085%; no homozygotes.

Submission:

GeneDx
Classification: Uncertain significance. Last evaluated: 2024-11-01. Review status: criteria provided, single submitter. Criteria: GeneDx Variant Classification Process June 2021. Collection method: clinical testing. Allele origin: germline. Affected: yes.
Comment: Not observed at significant frequency in large population cohorts (gnomAD); In silico analysis supports that this missense variant has a deleterious effect on protein structure/function; Has not been previously published as pathogenic or benign to our knowledge; This variant is associated with the following publications: (PMID: 26100331, 25609763, 25512093)

NM_001376.5(DYNC1H1):c.3532C>T (p.Arg1178Trp)

Gene: DYNC1H1 (dynein cytoplasmic 1 heavy chain 1; plus strand). Cytogenetic location: 14q32.31.
Variant type: single nucleotide variant.
Coding change: c.3532C>T on transcript NM_001376.5 (MANE Select); coding-DNA position 3532, C replaced by T.
Protein change: p.Arg1178Trp; replaces arginine 1178 with tryptophan.
Molecular consequence: missense variant.
Genome position (GRCh38, 1-based): chr14:101,995,268, C>T. VCF-style: chr14-101995268-C-T. GRCh37 (hg19) VCF-style: chr14-102461605-C-T.
Other names: short protein forms R1178W.
Identifiers: ClinVar variation 1691631 (VCV001691631.4), dbSNP rs1459407759, ClinGen allele CA391035397.